The following is an entry in ClinVar:

ClinVar aggregate classification (germline): Likely benign. Review status: criteria provided, single submitter (1 of 4 stars). 2 submissions from 2 submitters: Likely benign (1). 1 of the submissions does not count toward it. Last evaluated 2024-11-25.

Conditions:
CFAP57-related disorder. Also called: CFAP57-related condition.

Allele frequency attached by ClinVar (database versions not stated): 1000 Genomes Project 30x 0.00031; ExAC 0.00122; TOPMed 0.00242; gnomAD 0.00277; gnomAD exomes 0.00380.
gnomAD v4.1: 5,706 of 1,550,476 alleles (0.37%); highest among the groups gnomAD compares: Non-Finnish European, 0.45%; 13 homozygotes.

Submissions (2):

Blueprint Genetics
Classification: Likely benign. Last evaluated: 2024-11-25. Review status: criteria provided, single submitter. Criteria: ACMG Guidelines, 2015. Collection method: clinical testing. Allele origin: germline.

PreventionGenetics, part of Exact Sciences
Classification: Likely benign for CFAP57-related condition. Last evaluated: 2019-04-17. Review status: no assertion criteria provided. Collection method: clinical testing. Allele origin: germline. Not counted in ClinVar's aggregate classification.
Comment: This variant is classified as likely benign based on ACMG/AMP sequence variant interpretation guidelines (Richards et al. 2015 PMID: 25741868, with internal and published modifications).

NM_001378189.1(CFAP57):c.3318G>A (p.Glu1106=)

Genes: CFAP57 (cilia and flagella associated protein 57; plus strand), EBNA1BP2 (EBNA1 binding protein 2; minus strand), LOC105378685 (uncharacterized LOC105378685; minus strand). Cytogenetic location: 1p34.2.
Variant type: single nucleotide variant.
Coding change: c.3318G>A on transcript NM_001378189.1 (MANE Select); coding-DNA position 3318, G replaced by A.
Protein change: p.Glu1106=; no amino-acid change (glutamic acid 1106 retained).
Molecular consequence: synonymous variant.
Genome position (GRCh38, 1-based): chr1:43,234,551, G>A. VCF-style: chr1-43234551-G-A. GRCh37 (hg19) VCF-style: chr1-43700222-G-A.
Other names: c.3417G>A, p.Glu1139= (NM_001195831.3).
Identifiers: ClinVar variation 3037594 (VCV003037594.3), dbSNP rs544184490, ClinGen allele CA804997.